The following is an entry in ClinVar:

ClinVar aggregate classification (germline): Uncertain significance. Review status: criteria provided, multiple submitters, no conflicts (2 of 4 stars). 2 submissions from 2 submitters: Uncertain significance (2). Last evaluated 2024-11-26.

Conditions:
Developmental and epileptic encephalopathy, 1 (DEE1). Also called: Epileptic encephalopathy, early infantile, 1; X-linked infantile spasms; West's syndrome; Tonic spasms with clustering, arrest of psychomotor development and hypsarrhythmia on EEG; X-Linked Infantile Spasm Syndrome; OHTAHARA SYNDROME, X-LINKED. Identifiers: MedGen C3463992, MONDO:0010632, OMIM 308350. Disease mechanism: loss of function.
Autosomal recessive spinocerebellar ataxia 12. Also called: SPINOCEREBELLAR ATAXIA WITH MENTAL RETARDATION AND EPILEPSY. Identifiers: Orphanet 284282, MedGen C3280452, MONDO:0013687, OMIM 614322.

Allele frequency attached by ClinVar (database versions not stated): gnomAD exomes 0.00001; TOPMed below 0.00001.
gnomAD v4.1: 11 of 1,614,218 alleles (0.00068%); highest among the groups gnomAD compares: African/African-American, 0.0013%; no homozygotes.

Submissions (2):

GeneDx
Classification: Uncertain significance. Last evaluated: 2024-11-26. Review status: criteria provided, single submitter. Criteria: GeneDx Variant Classification Process June 2021. Collection method: clinical testing. Allele origin: germline. Affected: yes.
Comment: Not observed at significant frequency in large population cohorts (gnomAD); In silico analysis supports that this missense variant has a deleterious effect on protein structure/function; This variant is associated with the following publications: (PMID: 30356099)

Labcorp Genetics (formerly Invitae), Labcorp
Classification: Uncertain significance for Developmental and epileptic encephalopathy, 1; Autosomal recessive spinocerebellar ataxia 12. Last evaluated: 2022-06-04. Review status: criteria provided, single submitter. Criteria: Invitae Variant Classification Sherloc (09022015). Collection method: clinical testing. Allele origin: germline.
Comment: In summary, the available evidence is currently insufficient to determine the role of this variant in disease. Therefore, it has been classified as a Variant of Uncertain Significance. Algorithms developed to predict the effect of missense changes on protein structure and function are either unavailable or do not agree on the potential impact of this missense change (SIFT: "Not Available"; PolyPhen-2: "Possibly Damaging"; Align-GVGD: "Not Available"). ClinVar contains an entry for this variant (Variation ID: 540232). This missense change has been observed in individual(s) with epileptic encephalopathy (PMID: 30356099). This variant is not present in population databases (gnomAD no frequency). This sequence change replaces threonine, which is neutral and polar, with isoleucine, which is neutral and non-polar, at codon 358 of the WWOX protein (p.Thr358Ile).

Literature cited by the submitters: PubMed 30356099 (cited by Labcorp Genetics (formerly Invitae), Labcorp).

NM_016373.4(WWOX):c.1073C>T (p.Thr358Ile)

Genes: MAF (MAF bZIP transcription factor; minus strand), WWOX (WW domain containing oxidoreductase; plus strand). Cytogenetic location: 16q23.2.
Variant type: single nucleotide variant.
Coding change: c.1073C>T on transcript NM_016373.4 (MANE Select); coding-DNA position 1073, C replaced by T.
Protein change: p.Thr358Ile; replaces threonine 358 with isoleucine.
Molecular consequence: missense variant.
Genome position (GRCh38, 1-based): chr16:79,211,624, C>T. VCF-style: chr16-79211624-C-T. GRCh37 (hg19) VCF-style: chr16-79245521-C-T.
Other names: c.734C>T, p.Thr245Ile (NM_001291997.2); c.1073C>T (NM_016373.2); short protein forms T358I, T245I.
Identifiers: ClinVar variation 540232 (VCV000540232.11), dbSNP rs1555547940, ClinGen allele CA396536963.